The following is an entry in ClinVar:

NM_001283009.2(RTEL1):c.1915C>T (p.Arg639Cys)

Genes: RTEL1 (regulator of telomere elongation helicase 1; plus strand), RTEL1-TNFRSF6B (RTEL1-TNFRSF6B readthrough (NMD candidate); plus strand). Cytogenetic location: 20q13.33.
Variant type: single nucleotide variant.
Coding change: c.1915C>T on transcript NM_001283009.2 (MANE Select); coding-DNA position 1915, C replaced by T.
Protein change: p.Arg639Cys; replaces arginine 639 with cysteine.
Molecular consequence: missense variant. On other transcripts: non-coding transcript variant (1).
Genome position (GRCh38, 1-based): chr20:63,689,538, C>T. VCF-style: chr20-63689538-C-T. GRCh37 (hg19) VCF-style: chr20-62320891-C-T.
Other names: c.1246C>T, p.Arg416Cys (NM_001283010.1); c.1915C>T, p.Arg639Cys (NM_016434.4); c.1987C>T, p.Arg663Cys (NM_032957.5); short protein forms R416C, R639C, R663C.
Identifiers: ClinVar variation 3762552 (VCV003762552.3).

ClinVar aggregate classification (germline): Uncertain significance. Review status: criteria provided, multiple submitters, no conflicts (2 of 4 stars). 2 submissions from 2 submitters: Uncertain significance (2). Last evaluated 2025-06-24.

Conditions:
Dyskeratosis congenita, autosomal recessive 5 (DKCB5). Identifiers: MedGen C3554656, MONDO:0014076, OMIM 615190.
Pulmonary fibrosis and/or bone marrow failure, Telomere-related, 3. Also called: PULMONARY FIBROSIS AND/OR BONE MARROW FAILURE SYNDROME, TELOMERE-RELATED, 3. Identifiers: Orphanet 2032, MedGen C4225346, MONDO:0014613, OMIM 616373.
Inborn genetic diseases. Identifiers: MedGen C0950123, MeSH D030342.

Submissions (2):

Ambry Genetics
Classification: Uncertain significance for Inborn genetic diseases. Last evaluated: 2025-06-24. Review status: criteria provided, single submitter. Criteria: Ambry Variant Classification Scheme 2023. Collection method: clinical testing. Allele origin: germline.
Comment: The p.R639C variant (also known as c.1915C>T), located in coding exon 22 of the RTEL1 gene, results from a C to T substitution at nucleotide position 1915. The arginine at codon 639 is replaced by cysteine, an amino acid with highly dissimilar properties. This amino acid position is conserved. In addition, this alteration is predicted to be deleterious by in silico analysis. Based on the available evidence, the clinical significance of this variant remains unclear.

Labcorp Genetics (formerly Invitae), Labcorp
Classification: Uncertain significance for Dyskeratosis congenita, autosomal recessive 5; Pulmonary fibrosis and/or bone marrow failure, Telomere-related, 3. Last evaluated: 2024-08-12. Review status: criteria provided, single submitter. Criteria: Invitae Variant Classification Sherloc (09022015). Collection method: clinical testing. Allele origin: germline.
Comment: This sequence change replaces arginine, which is basic and polar, with cysteine, which is neutral and slightly polar, at codon 639 of the RTEL1 protein (p.Arg639Cys). The frequency data for this variant in the population databases is considered unreliable, as metrics indicate poor data quality at this position in the gnomAD database. This variant has not been reported in the literature in individuals affected with RTEL1-related conditions. An algorithm developed to predict the effect of missense changes on protein structure and function (PolyPhen-2) suggests that this variant is likely to be disruptive. In summary, the available evidence is currently insufficient to determine the role of this variant in disease. Therefore, it has been classified as a Variant of Uncertain Significance.